The following is an entry in ClinVar:

ClinVar aggregate classification (germline): Likely pathogenic (1 of 4 stars; one submission).

Conditions:
Dilated cardiomyopathy 1G (CMD1G). Identifiers: Orphanet 154, MedGen C1858763, MONDO:0011400, OMIM 604145.
Autosomal recessive limb-girdle muscular dystrophy type 2J (LGMDR10). Also called: Limb-girdle muscular dystrophy, type 2J; MUSCULAR DYSTROPHY, LIMB-GIRDLE, AUTOSOMAL RECESSIVE 10. Identifiers: Orphanet 140922, MedGen C1837342, MONDO:0012127, OMIM 608807.

Submission:

Labcorp Genetics (formerly Invitae), Labcorp
Classification: Likely pathogenic for Dilated cardiomyopathy 1G; Autosomal recessive limb-girdle muscular dystrophy type 2J. Last evaluated: 2024-10-28. Review status: criteria provided, single submitter. Criteria: Invitae Variant Classification Sherloc (09022015). Collection method: clinical testing. Allele origin: germline.
Comment: This sequence change creates a premature translational stop signal (p.Tyr2605Thrfs*6) in the TTN gene. While this is not anticipated to result in nonsense mediated decay, it is expected to create a truncated TTN protein. This variant is not present in population databases (gnomAD no frequency). This variant has not been reported in the literature in individuals affected with TTN-related conditions. ClinVar contains an entry for this variant (Variation ID: 1421081). This variant is located in the I band of TTN (PMID: 25589632). Truncating variants in this region have been reported in individuals affected with autosomal recessive centronuclear myopathy (PMID: 23975875, internal data). Truncating variants in this region have also been identified in individuals affected with autosomal dominant dilated cardiomyopathy and/or cardio-related conditions (PMID: 27869827, 32964742, internal data). In summary, the currently available evidence indicates that the variant is pathogenic, but additional data are needed to prove that conclusively. Therefore, this variant has been classified as Likely Pathogenic.

Literature cited by the submitters: PubMed 25589632; PubMed 23975875; PubMed 27869827; PubMed 32964742.

NM_001267550.2(TTN):c.7813del (p.Tyr2605fs)

Gene: TTN (titin; minus strand). Cytogenetic location: 2q31.2.
Variant type: Deletion.
Coding change: c.7813del on transcript NM_001267550.2 (MANE Select); coding-DNA position 7813, one base deleted (T; older notation c.7813delT).
Protein change: p.Tyr2605fs; shifts the reading frame from tyrosine 2605.
Molecular consequence: frameshift variant.
Genome position (GRCh38, 1-based): chr2:178,773,151, A deleted on the plus strand (T on the coding strand, the reverse complement: TTN is on the minus strand); the first of 4 consecutive A bases (chr2:178,773,151-178,773,154); deleting any one gives the same sequence. VCF-style (leftmost placement, unchanged base first): chr2-178773150-TA-T. GRCh37 (hg19) VCF-style: chr2-179637877-TA-T.
Other names: c.7813del, p.Tyr2605fs (NM_133378.4, NM_133379.5, NM_001256850.1); c.7675del, p.Tyr2559fs (NM_133432.3, NM_133437.4, NM_003319.4); short protein forms Y2559fs, Y2605fs.
Identifiers: ClinVar variation 1421081 (VCV001421081.8), dbSNP rs2154344465, ClinGen allele CA2573133959.